The following is an entry in ClinVar:

ClinVar aggregate classification (germline): Benign (1 of 4 stars; one submission).

Conditions:
Breast-ovarian cancer, familial, susceptibility to, 3. Also called: RAD51C-Related Breast/Ovarian Cancer. Identifiers: Orphanet 145, MedGen C3150659, MONDO:0013253, OMIM 613399.

Submission:

Myriad Genetics, Inc.
Classification: Benign for Breast-ovarian cancer, familial, susceptibility to, 3. Last evaluated: 2025-02-19. Review status: criteria provided, single submitter. Criteria: Myriad Autosomal Dominant, Autosomal Recessive and X-Linked Classification Criteria (2023). Collection method: clinical testing. Allele origin: unknown.
Comment: This variant is considered benign. This variant is intronic and is not expected to impact mRNA splicing.

NM_058216.3(RAD51C):c.966-20_966-17del

Gene: RAD51C (RAD51 paralog C; plus strand). Cytogenetic location: 17q22.
Variant type: Microsatellite.
Coding change: c.966-20_966-17del on transcript NM_058216.3 (MANE Select); 20 bases into the intron before coding-DNA position 966 through 17 bases into the intron before coding-DNA position 966, 4 bases deleted (TATT; older notation c.966-20_966-17delTATT).
Molecular consequence: intron variant.
Genome position (GRCh38, 1-based): chr17:58,732,464-58,732,467, TATT deleted; deleting any 4 consecutive bases within chr17:58,732,460-58,732,467 gives the same sequence; the c. name uses the placement nearest the transcript's 3' end. VCF-style (leftmost placement, unchanged base first): chr17-58732459-GTATT-G. GRCh37 (hg19) VCF-style: chr17-56809820-GTATT-G.
Identifiers: ClinVar variation 3903447 (VCV003903447.1).